The following is an entry in ClinVar:

ClinVar aggregate classification (germline): Uncertain significance. Review status: criteria provided, multiple submitters, no conflicts (2 of 4 stars). 2 submissions from 2 submitters: Uncertain significance (2). Last evaluated 2025-05-01.

Conditions:
Inborn genetic diseases. Identifiers: MedGen C0950123, MeSH D030342.

gnomAD v4.1: 9 of 1,614,008 alleles (0.00056%); highest among the groups gnomAD compares: Non-Finnish European, 0.00076%; no homozygotes.

Submissions (2):

CeGaT Center for Human Genetics Tuebingen
Classification: Uncertain significance. Last evaluated: 2025-05-01. Review status: criteria provided, single submitter. Criteria: CeGaT Center For Human Genetics Tuebingen Variant Classification Criteria Version 2. Collection method: clinical testing. Allele origin: germline. Affected: yes. Observed: 1 variant allele.
Comment: CNTNAP1: PM2, PM3:Supporting

Ambry Genetics
Classification: Uncertain significance for Inborn genetic diseases. Last evaluated: 2024-04-06. Review status: criteria provided, single submitter. Criteria: Ambry Variant Classification Scheme 2023. Collection method: clinical testing. Allele origin: germline.

NM_003632.3(CNTNAP1):c.3448C>T (p.Arg1150Cys)

Gene: CNTNAP1 (contactin associated protein 1; plus strand). Cytogenetic location: 17q21.2.
Variant type: single nucleotide variant.
Coding change: c.3448C>T on transcript NM_003632.3 (MANE Select); coding-DNA position 3448, C replaced by T.
Protein change: p.Arg1150Cys; replaces arginine 1150 with cysteine.
Molecular consequence: missense variant.
Genome position (GRCh38, 1-based): chr17:42,696,126, C>T. VCF-style: chr17-42696126-C-T. GRCh37 (hg19) VCF-style: chr17-40848144-C-T.
Other names: short protein forms R1150C.
Identifiers: ClinVar variation 3268328 (VCV003268328.9).
Genomic context (GRCh38, chr17:42,696,126, plus strand): 5'-GTGTACCAGCTAACCACTCGACCAGTGACCGATGGCCAGCCCCATAGCATCAATATCACC[C>T]GTGTTTACCGGAACCTCTTCATCCAGGTATGCATAGAGGGAGGTGAGCCAGTTCAGATCA-3'
Protein context (NP_003623.1, residues 1140-1160): DGQPHSINIT[Arg1150Cys]VYRNLFIQVD